The following is an entry in ClinVar:

NM_016284.5(CNOT1):c.637+1G>T

Gene: CNOT1 (CCR4-NOT transcription complex subunit 1; minus strand). Cytogenetic location: 16q21.
Variant type: single nucleotide variant.
Coding change: c.637+1G>T on transcript NM_016284.5 (MANE Select); the canonical splice donor site of the intron after coding-DNA position 637, G replaced by T.
Molecular consequence: splice donor variant.
Genome position (GRCh38, 1-based): chr16:58,586,544, C>A on the plus strand (G>T on the coding strand, the complement: CNOT1 is on the minus strand). VCF-style: chr16-58586544-C-A. GRCh37 (hg19) VCF-style: chr16-58620448-C-A.
Other names: c.637+1G>T (NM_001265612.2, NM_206999.3).
Identifiers: ClinVar variation 4869048 (VCV004869048.1).

ClinVar aggregate classification (germline): Uncertain significance (1 of 4 stars; one submission).

Conditions:
Inborn genetic diseases. Identifiers: MedGen C0950123, MeSH D030342.

Submission:

Ambry Genetics
Classification: Uncertain significance for Inborn genetic diseases. Last evaluated: 2026-05-20. Review status: criteria provided, single submitter. Criteria: Ambry Variant Classification Scheme 2023. Collection method: clinical testing. Allele origin: germline.
Comment: The c.637+1G>T intronic variant consists of a G to T substitution one nucleotide after exon 7 (coding exon 6) of the CNOT1 gene. Variants that disrupt the canonical splice site are expected to result in aberrant splicing. The resulting transcript is predicted to be in-frame and is not expected to trigger nonsense-mediated mRNA decay, although direct evidence is unavailable. This variant was not reported in population-based cohorts in the Genome Aggregation Database (gnomAD). This nucleotide position is highly conserved in available vertebrate species. In silico splice site analysis predicts that this alteration will weaken the native splice donor site. Based on insufficient or conflicting evidence, the clinical significance of this alteration remains unclear.